The following is an entry in ClinVar:

ClinVar aggregate classification (germline): Uncertain significance (1 of 4 stars; one submission).

Allele frequency attached by ClinVar (database versions not stated): gnomAD exomes 0.00001.
gnomAD v4.1: 9 of 1,613,456 alleles (0.00056%); highest among the groups gnomAD compares: Non-Finnish European, 0.00076%; no homozygotes.

Submission:

Labcorp Genetics (formerly Invitae), Labcorp
Classification: Uncertain significance. Last evaluated: 2025-08-21. Review status: criteria provided, single submitter. Criteria: Invitae Variant Classification Sherloc (09022015). Collection method: clinical testing. Allele origin: germline.
Comment: This sequence change replaces isoleucine, which is neutral and non-polar, with phenylalanine, which is neutral and non-polar, at codon 291 of the HACE1 protein (p.Ile291Phe). This variant is not present in population databases (gnomAD no frequency). This variant has not been reported in the literature in individuals affected with HACE1-related conditions. ClinVar contains an entry for this variant (Variation ID: 1509563). Invitae Evidence Modeling of protein sequence and biophysical properties (such as structural, functional, and spatial information, amino acid conservation, physicochemical variation, residue mobility, and thermodynamic stability) indicates that this missense variant is not expected to disrupt HACE1 protein function with a negative predictive value of 80%. In summary, the available evidence is currently insufficient to determine the role of this variant in disease. Therefore, it has been classified as a Variant of Uncertain Significance.

NM_020771.4(HACE1):c.871A>T (p.Ile291Phe)

Gene: HACE1 (HECT domain and ankyrin repeat containing E3 ubiquitin protein ligase 1; minus strand). Cytogenetic location: 6q16.3.
Variant type: single nucleotide variant.
Coding change: c.871A>T on transcript NM_020771.4 (MANE Select); coding-DNA position 871, A replaced by T.
Protein change: p.Ile291Phe; replaces isoleucine 291 with phenylalanine.
Molecular consequence: missense variant. On other transcripts: non-coding transcript variant (7).
Genome position (GRCh38, 1-based): chr6:104,795,631, T>A on the plus strand (A>T on the coding strand, the complement: HACE1 is on the minus strand). VCF-style: chr6-104795631-T-A. GRCh37 (hg19) VCF-style: chr6-105243506-T-A.
Other names: c.367A>T, p.Ile123Phe (NM_001350558.2, NM_001321084.2, NM_001350557.2); c.289A>T, p.Ile97Phe (NM_001350559.2); c.88A>T, p.Ile30Phe (NM_001350560.2); c.739A>T, p.Ile247Phe (NM_001321080.2); c.769A>T, p.Ile257Phe (NM_001321083.2); c.637A>T, p.Ile213Phe (NM_001350554.2); c.580A>T, p.Ile194Phe (NM_001350555.2); c.385A>T, p.Ile129Phe (NM_001350556.2); short protein forms I123F, I129F, I213F, I247F, I97F, I194F, I30F, I257F.
Identifiers: ClinVar variation 1509563 (VCV001509563.6), dbSNP rs2114866386, ClinGen allele CA365138088.